The following is an entry in ClinVar:

ClinVar aggregate classification (germline): Uncertain significance (1 of 4 stars; one submission).

Conditions:
Cardiovascular phenotype. Identifiers: MedGen CN230736.

Allele frequency attached by ClinVar (database versions not stated): gnomAD exomes below 0.00001.
gnomAD v4.1: 1 of 1,546,632 alleles (0.000065%); no homozygotes.

Submission:

Ambry Genetics
Classification: Uncertain significance for Cardiovascular phenotype. Last evaluated: 2025-05-31. Review status: criteria provided, single submitter. Criteria: Ambry Variant Classification Scheme 2023. Collection method: clinical testing. Allele origin: germline.
Comment: The p.P443L variant (also known as c.1328C>T), located in coding exon 1 of the ZNF469 gene, results from a C to T substitution at nucleotide position 1328. The proline at codon 443 is replaced by leucine, an amino acid with similar properties. This amino acid position is conserved. In addition, this alteration is predicted to be tolerated by in silico analysis. Since supporting evidence is limited at this time, the clinical significance of this alteration remains unclear.

NM_001367624.2(ZNF469):c.1328C>T (p.Pro443Leu)

Gene: ZNF469 (zinc finger protein 469; plus strand). Cytogenetic location: 16q24.2.
Variant type: single nucleotide variant.
Coding change: c.1328C>T on transcript NM_001367624.2 (MANE Select); coding-DNA position 1328, C replaced by T.
Protein change: p.Pro443Leu; replaces proline 443 with leucine.
Molecular consequence: missense variant.
Genome position (GRCh38, 1-based): chr16:88,428,798, C>T. VCF-style: chr16-88428798-C-T. GRCh37 (hg19) VCF-style: chr16-88495206-C-T.
Other names: NM_001127464.1:c.1328C>T; short protein forms P443L.
Identifiers: ClinVar variation 2564254 (VCV002564254.3), dbSNP rs1905895869, ClinGen allele CA397066177.